The following is an entry in ClinVar:

NM_000368.5(TSC1):c.3278G>C (p.Arg1093Pro)

Gene: TSC1 (TSC complex subunit 1; minus strand). Cytogenetic location: 9q34.13.
Variant type: single nucleotide variant.
Coding change: c.3278G>C on transcript NM_000368.5 (MANE Select); coding-DNA position 3278, G replaced by C.
Protein change: p.Arg1093Pro; replaces arginine 1093 with proline.
Molecular consequence: missense variant.
Genome position (GRCh38, 1-based): chr9:132,896,452, C>G on the plus strand (G>C on the coding strand, the complement: TSC1 is on the minus strand). VCF-style: chr9-132896452-C-G. GRCh37 (hg19) VCF-style: chr9-135771839-C-G.
Other names: c.3275G>C, p.Arg1092Pro (NM_001162426.2); c.3125G>C, p.Arg1042Pro (NM_001162427.2); c.2915G>C, p.Arg972Pro (NM_001362177.2); c.3278G>C (NM_000368.4); short protein forms R1042P, R1092P, R1093P, R972P.
Identifiers: ClinVar variation 1429826 (VCV001429826.9), dbSNP rs550526986, ClinGen allele CA375366752.

ClinVar aggregate classification (germline): Uncertain significance. Review status: criteria provided, multiple submitters, no conflicts (2 of 4 stars). 2 submissions from 2 submitters: Uncertain significance (2). Last evaluated 2026-05-20.

Conditions:
Hereditary cancer-predisposing syndrome. Also called: Tumor predisposition; Neoplastic Syndromes, Hereditary; Hereditary Cancer Syndrome; Hereditary neoplastic syndrome. Identifiers: Orphanet 140162, MedGen C0027672, MeSH D009386, MONDO:0015356.
Tuberous sclerosis 1 (TSC1). Identifiers: Orphanet 805, MedGen C1854465, MONDO:0008612, OMIM 191100.

gnomAD v4.1: 1 of 1,614,172 alleles (0.000062%); no homozygotes.

Submissions (2):

Ambry Genetics
Classification: Uncertain significance for Hereditary cancer-predisposing syndrome. Last evaluated: 2026-05-20. Review status: criteria provided, single submitter. Criteria: Ambry Variant Classification Scheme 2023. Collection method: clinical testing. Allele origin: germline.
Comment: The p.R1093P variant (also known as c.3278G>C), located in coding exon 21 of the TSC1 gene, results from a G to C substitution at nucleotide position 3278. The arginine at codon 1093 is replaced by proline, an amino acid with dissimilar properties. This amino acid position is highly conserved in available vertebrate species. In addition, this alteration is predicted to be deleterious by in silico analysis. Based on the available evidence, the clinical significance of this variant remains unclear.

Labcorp Genetics (formerly Invitae), Labcorp
Classification: Uncertain significance for Tuberous sclerosis 1. Last evaluated: 2025-12-23. Review status: criteria provided, single submitter. Criteria: Invitae Variant Classification Sherloc (09022015). Collection method: clinical testing. Allele origin: germline.
Comment: This sequence change replaces arginine, which is basic and polar, with proline, which is neutral and non-polar, at codon 1093 of the TSC1 protein (p.Arg1093Pro). This variant is not present in population databases (gnomAD no frequency). This variant has not been reported in the literature in individuals affected with TSC1-related conditions. ClinVar contains an entry for this variant (Variation ID: 1429826). Invitae Evidence Modeling of protein sequence and biophysical properties (such as structural, functional, and spatial information, amino acid conservation, physicochemical variation, residue mobility, and thermodynamic stability) has been performed for this missense variant. However, the output from this modeling did not meet the statistical confidence thresholds required to predict the impact of this variant on TSC1 protein function. In summary, the available evidence is currently insufficient to determine the role of this variant in disease. Therefore, it has been classified as a Variant of Uncertain Significance.